The following is an entry in ClinVar:

NM_025132.4(WDR19):c.2876+10T>C

Gene: WDR19 (WD repeat domain 19; plus strand). Cytogenetic location: 4p14.
Variant type: single nucleotide variant.
Coding change: c.2876+10T>C on transcript NM_025132.4 (MANE Select); 10 bases into the intron after coding-DNA position 2876, T replaced by C.
Molecular consequence: intron variant.
Genome position (GRCh38, 1-based): chr4:39,253,302, T>C. VCF-style: chr4-39253302-T-C. GRCh37 (hg19) VCF-style: chr4-39254922-T-C.
Other names: c.2876+10T>C (NM_025132.3); c.2396+10T>C (NM_001317924.2).
Identifiers: ClinVar variation 1658609 (VCV001658609.12), dbSNP rs773692164, ClinGen allele CA2892201.

ClinVar aggregate classification (germline): Likely benign. Review status: criteria provided, multiple submitters, no conflicts (2 of 4 stars). 4 submissions from 4 submitters: Likely benign (3). 1 of the submissions does not count toward it. Last evaluated 2024-07-09.

Conditions:
Nephronophthisis 13 (NPHP13). Identifiers: Orphanet 655, MedGen C3280612, MONDO:0013718, OMIM 614377.
Senior-Loken syndrome 8 (SLSN8). Identifiers: Orphanet 3156, MedGen C4225376, MONDO:0014579, OMIM 616307.
Cranioectodermal dysplasia 4 (CED4). Identifiers: Orphanet 1515, MedGen C3280616, MONDO:0013719, OMIM 614378.
Spermatogenic failure 72 (SPGF72). Identifiers: MedGen C5676980, MONDO:0030809, OMIM 619867.
Asphyxiating thoracic dystrophy 5 (SRTD5). Also called: SHORT-RIB THORACIC DYSPLASIA 5 WITH OR WITHOUT POLYDACTYLY; SHORT-RIB THORACIC DYSPLASIA 5 WITHOUT POLYDACTYLY. Identifiers: Orphanet 474, MedGen C3280598, MONDO:0013717, OMIM 614376.
WDR19-related disorder. Also called: WDR19-related disorders; WDR19-related condition. Identifiers: MedGen CN380161.

Allele frequency attached by ClinVar (database versions not stated): gnomAD 0.00001; gnomAD exomes 0.00005; ExAC 0.00011.
gnomAD v4.1: 38 of 1,603,450 alleles (0.0024%); highest among the groups gnomAD compares: South Asian, 0.027%; 1 homozygote.

Submissions (4):

Blueprint Genetics
Classification: Likely benign. Last evaluated: 2024-07-09. Review status: criteria provided, single submitter. Criteria: ACMG Guidelines, 2015. Collection method: clinical testing. Allele origin: germline.

Labcorp Genetics (formerly Invitae), Labcorp
Classification: Likely benign for Senior-Loken syndrome 8; Asphyxiating thoracic dystrophy 5. Last evaluated: 2023-08-30. Review status: criteria provided, single submitter. Criteria: Invitae Variant Classification Sherloc (09022015). Collection method: clinical testing. Allele origin: germline.

Fulgent Genetics
Classification: Likely benign for Asphyxiating thoracic dystrophy 5; Nephronophthisis 13; Cranioectodermal dysplasia 4; Senior-Loken syndrome 8; Spermatogenic failure 72. Last evaluated: 2021-10-11. Review status: criteria provided, single submitter. Criteria: ACMG Guidelines, 2015. Collection method: clinical testing. Allele origin: unknown.

PreventionGenetics, part of Exact Sciences
Classification: Likely benign for WDR19-related condition. Last evaluated: 2019-04-18. Review status: no assertion criteria provided. Collection method: clinical testing. Allele origin: germline. Not counted in ClinVar's aggregate classification.
Comment: This variant is classified as likely benign based on ACMG/AMP sequence variant interpretation guidelines (Richards et al. 2015 PMID: 25741868, with internal and published modifications).